The following is an entry in ClinVar:

ClinVar aggregate classification (germline): Uncertain significance (1 of 4 stars; one submission).

Conditions:
Blau syndrome (BLAUS). Also called: GRANULOMATOSIS, FAMILIAL JUVENILE SYSTEMIC; GRANULOMATOSIS, FAMILIAL, BLAU TYPE; GRANULOMATOUS INFLAMMATORY ARTHRITIS, DERMATITIS, AND UVEITIS, FAMILIAL; JABS SYNDROME; ARTHROCUTANEOUVEAL GRANULOMATOSIS. Identifiers: Orphanet 90340, MedGen C5201146, MONDO:0008523, OMIM 186580.
Regional enteritis. Also called: Enteritis, Granulomatous. Identifiers: MedGen C0678202, MeSH D003424.

Allele frequency attached by ClinVar (database versions not stated): gnomAD exomes below 0.00001.
gnomAD v4.1: 1 of 1,603,458 alleles (0.000062%); highest among the groups gnomAD compares: Non-Finnish European, 0.000085%; no homozygotes.

Submission:

Labcorp Genetics (formerly Invitae), Labcorp
Classification: Uncertain significance for Regional enteritis; Blau syndrome. Last evaluated: 2021-10-11. Review status: criteria provided, single submitter. Criteria: Invitae Variant Classification Sherloc (09022015). Collection method: clinical testing. Allele origin: germline.
Comment: This sequence change falls in intron 2 of the NOD2 gene. It does not directly change the encoded amino acid sequence of the NOD2 protein. It affects a nucleotide within the consensus splice site. This variant is not present in population databases (ExAC no frequency). This variant has not been reported in the literature in individuals affected with NOD2-related conditions. Variants that disrupt the consensus splice site are a relatively common cause of aberrant splicing (PMID: 17576681, 9536098). Algorithms developed to predict the effect of sequence changes on RNA splicing suggest that this variant may disrupt the consensus splice site. In summary, the available evidence is currently insufficient to determine the role of this variant in disease. Therefore, it has been classified as a Variant of Uncertain Significance.

Literature cited by the submitters: PubMed 17576681; PubMed 9536098.

NM_001370466.1(NOD2):c.459+3G>T

Gene: NOD2 (nucleotide binding oligomerization domain containing 2; plus strand). Cytogenetic location: 16q12.1.
Variant type: single nucleotide variant.
Coding change: c.459+3G>T on transcript NM_001370466.1 (MANE Select); 3 bases into the intron after coding-DNA position 459, G replaced by T.
Molecular consequence: intron variant.
Genome position (GRCh38, 1-based): chr16:50,699,957, G>T. VCF-style: chr16-50699957-G-T. GRCh37 (hg19) VCF-style: chr16-50733868-G-T.
Other names: c.540+3G>T (NM_022162.3); c.459+3G>T (NM_001293557.2).
Identifiers: ClinVar variation 1362029 (VCV001362029.3), dbSNP rs1384904015, ClinGen allele CA622654259.
Genomic context (GRCh38, chr16:50,699,957, plus strand): 5'-CGTCAGCCAGTATGAATGTGATGAAATCAGGTTGCCGATCTTCACACCGTCCCAGAGGGT[G>T]AGGCACTCCTGGTGTGCATCACAGAGTTCTCAGGAAAGGGGTGCTTAGTCACCAAGACTG-3'